The following is an entry in ClinVar:

ClinVar aggregate classification (germline): Pathogenic (1 of 4 stars; one submission).

Conditions:
Familial cancer of breast. Also called: hereditary breast carcinoma; Hereditary breast cancer; BREAST CANCER, FAMILIAL. Identifiers: Orphanet 227535, MedGen C0346153, MONDO:0016419, OMIM 114480. Disease mechanism: loss of function.

Submission:

Myriad Genetics, Inc.
Classification: Pathogenic for Familial cancer of breast. Last evaluated: 2024-07-30. Review status: criteria provided, single submitter. Criteria: Myriad Autosomal Dominant, Autosomal Recessive and X-Linked Classification Criteria (2023). Collection method: clinical testing. Allele origin: unknown.
Comment: This variant is considered pathogenic. This variant creates a frameshift predicted to result in premature protein truncation.

NM_000465.4(BARD1):c.2178del (p.Asp727fs)

Gene: BARD1 (BRCA1 associated RING domain 1; minus strand). Cytogenetic location: 2q35.
Variant type: Deletion.
Coding change: c.2178del on transcript NM_000465.4 (MANE Select); coding-DNA position 2178, one base deleted (C; older notation c.2178delC).
Protein change: p.Asp727fs; shifts the reading frame from aspartic acid 727.
Molecular consequence: frameshift variant. On other transcripts: non-coding transcript variant (3).
Genome position (GRCh38, 1-based): chr2:214,728,832, G deleted on the plus strand (C on the coding strand, the reverse complement: BARD1 is on the minus strand); the first of 3 consecutive G bases (chr2:214,728,832-214,728,834); deleting any one gives the same sequence. VCF-style (leftmost placement, unchanged base first): chr2-214728831-CG-C. GRCh37 (hg19) VCF-style: chr2-215593555-CG-C.
Other names: c.2121del, p.Asp708fs (NM_001282543.2); c.825del, p.Asp276fs (NM_001282545.2); c.768del, p.Asp257fs (NM_001282548.2); c.639del, p.Asp214fs (NM_001282549.2); short protein forms D214fs, D257fs, D276fs, D708fs, D727fs.
Identifiers: ClinVar variation 3379258 (VCV003379258.1).